The following is an entry in ClinVar:

ClinVar aggregate classification (germline): Uncertain significance. Review status: criteria provided, multiple submitters, no conflicts (2 of 4 stars). 2 submissions from 2 submitters: Uncertain significance (2). Last evaluated 2025-06-05.

Conditions:
Epileptic encephalopathy. Identifiers: MedGen C0543888, HP:0200134.

Allele frequency attached by ClinVar (database versions not stated): ExAC 0.00002; gnomAD exomes 0.00003 and 0.00007; gnomAD 0.00005 and 0.00006; TOPMed 0.00009.
gnomAD v4.1: 112 of 1,591,418 alleles (0.007%); highest among the groups gnomAD compares: African/African-American, 0.011%; no homozygotes.

Submissions (2):

Labcorp Genetics (formerly Invitae), Labcorp
Classification: Uncertain significance for Epileptic encephalopathy. Last evaluated: 2025-06-05. Review status: criteria provided, single submitter. Criteria: Invitae Variant Classification Sherloc (09022015). Collection method: clinical testing. Allele origin: germline.
Comment: This sequence change replaces arginine, which is basic and polar, with glutamine, which is neutral and polar, at codon 2180 of the FASN protein (p.Arg2180Gln). The frequency data for this variant in the population databases is considered unreliable, as metrics indicate poor data quality at this position in the gnomAD database. This variant has not been reported in the literature in individuals affected with FASN-related conditions. ClinVar contains an entry for this variant (Variation ID: 663493). An algorithm developed to predict the effect of missense changes on protein structure and function outputs the following: PolyPhen-2: "Possibly Damaging". The glutamine amino acid residue is found in multiple mammalian species, which suggests that this missense change does not adversely affect protein function. In summary, the available evidence is currently insufficient to determine the role of this variant in disease. Therefore, it has been classified as a Variant of Uncertain Significance.

Ambry Genetics
Classification: Uncertain significance. Last evaluated: 2023-10-03. Review status: criteria provided, single submitter. Criteria: Ambry Variant Classification Scheme 2023. Collection method: clinical testing. Allele origin: germline.

NM_004104.5(FASN):c.6539G>A (p.Arg2180Gln)

Gene: FASN (fatty acid synthase; minus strand). Cytogenetic location: 17q25.3.
Variant type: single nucleotide variant.
Coding change: c.6539G>A on transcript NM_004104.5 (MANE Select); coding-DNA position 6539, G replaced by A.
Protein change: p.Arg2180Gln; replaces arginine 2180 with glutamine.
Molecular consequence: missense variant.
Genome position (GRCh38, 1-based): chr17:82,081,220, C>T on the plus strand (G>A on the coding strand, the complement: FASN is on the minus strand). VCF-style: chr17-82081220-C-T. GRCh37 (hg19) VCF-style: chr17-80039096-C-T.
Other names: short protein forms R2180Q.
Identifiers: ClinVar variation 663493 (VCV000663493.6), dbSNP rs755594667, ClinGen allele CA8851273.